The following is an entry in ClinVar:

ClinVar aggregate classification (germline): Likely benign. Review status: criteria provided, multiple submitters, no conflicts (2 of 4 stars). 3 submissions from 3 submitters: Likely benign (3). Last evaluated 2026-08-01.

Conditions:
Cardiovascular phenotype. Identifiers: MedGen CN230736.
Catecholaminergic polymorphic ventricular tachycardia 1. Also called: VENTRICULAR TACHYCARDIA, CATECHOLAMINERGIC POLYMORPHIC, 1, WITH OR WITHOUT ATRIAL DYSFUNCTION AND/OR DILATED CARDIOMYOPATHY; VENTRICULAR TACHYCARDIA, STRESS-INDUCED POLYMORPHIC 1; RYR2-Related Catecholaminergic Polymorphic Ventricular Tachycardia. Identifiers: Orphanet 3286, MedGen C1631597, MONDO:0011484, OMIM 604772.

Allele frequency attached by ClinVar (database versions not stated): TOPMed below 0.00001; gnomAD exomes 0.00001.
gnomAD v4.1: 2 of 1,607,264 alleles (0.00012%); highest among the groups gnomAD compares: Admixed American, 0.0034%; no homozygotes.

Submissions (3):

CeGaT Center for Human Genetics Tuebingen
Classification: Likely benign. Last evaluated: 2026-08-01. Review status: criteria provided, single submitter. Criteria: CeGaT Center For Human Genetics Tuebingen Variant Classification Criteria Version 2. Collection method: clinical testing. Allele origin: germline. Affected: yes. Observed: 1 variant allele.
Comment: RYR2: BP4, BP7

Labcorp Genetics (formerly Invitae), Labcorp
Classification: Likely benign for Catecholaminergic polymorphic ventricular tachycardia 1. Last evaluated: 2024-07-03. Review status: criteria provided, single submitter. Criteria: Invitae Variant Classification Sherloc (09022015). Collection method: clinical testing. Allele origin: germline.

Ambry Genetics
Classification: Likely benign for Cardiovascular phenotype. Last evaluated: 2023-08-01. Review status: criteria provided, single submitter. Criteria: Ambry Variant Classification Scheme 2023. Collection method: clinical testing. Allele origin: germline.

NM_001035.3(RYR2):c.9492T>G (p.Gly3164=)

Gene: RYR2 (ryanodine receptor 2; plus strand). Cytogenetic location: 1q43.
Variant type: single nucleotide variant.
Coding change: c.9492T>G on transcript NM_001035.3 (MANE Select); coding-DNA position 9492, T replaced by G.
Protein change: p.Gly3164=; no amino-acid change (glycine 3164 retained).
Molecular consequence: synonymous variant.
Genome position (GRCh38, 1-based): chr1:237,705,255, T>G. VCF-style: chr1-237705255-T-G. GRCh37 (hg19) VCF-style: chr1-237868555-T-G.
Other names: c.9492T>G (NM_001035.2).
Identifiers: ClinVar variation 1094795 (VCV001094795.12), dbSNP rs1252667379, ClinGen allele CA423819273.